The following is an entry in ClinVar:

ClinVar aggregate classification (germline): Pathogenic. Review status: reviewed by expert panel (3 of 4 stars). 10 submissions from 9 submitters: Pathogenic (1). 9 of the submissions do not count toward it. Last evaluated 2016-09-08.

Conditions:
Breast-ovarian cancer, familial, susceptibility to, 1 (BROVCA1). Also called: BRCA1 Hereditary Breast and Ovarian Cancer; OVARIAN CANCER, SUSCEPTIBILITY TO. Identifiers: Orphanet 145, MedGen C2676676, MONDO:0011450, OMIM 604370. Disease mechanism: loss of function.
Familial cancer of breast. Also called: hereditary breast carcinoma; BREAST CANCER, FAMILIAL; Hereditary breast cancer. Identifiers: Orphanet 227535, MedGen C0346153, MONDO:0016419, OMIM 114480. Disease mechanism: loss of function.
Fanconi anemia, complementation group S (FANCS). Identifiers: MedGen C4554406, MONDO:0054748, OMIM 617883.
Gastric cancer. Also called: Malignant tumor of stomach; Stomach cancer. Identifiers: MedGen C0024623, MeSH D013274, MONDO:0001056, OMIM 613659, HP:0012126.
Hereditary cancer-predisposing syndrome. Also called: Hereditary Cancer Syndrome; Hereditary neoplastic syndrome; Neoplastic Syndromes, Hereditary; Tumor predisposition. Identifiers: Orphanet 140162, MedGen C0027672, MeSH D009386, MONDO:0015356.
Hereditary breast ovarian cancer syndrome. Also called: BRCA1- and BRCA2-Associated Hereditary Breast and Ovarian Cancer; Hereditary breast and ovarian cancer syndrome; Hereditary breast and ovarian cancer syndrome (HBOC); Breast and ovarian cancer; Hereditary breast and/or ovarian cancer syndrome; Hereditary breast and ovarian cancer. Identifiers: Orphanet 145, MedGen C0677776, MeSH D061325, MONDO:0003582. Disease mechanism: loss of function.

Submissions (10):

Evidence-based Network for the Interpretation of Germline Mutant Alleles (ENIGMA)
Classification: Pathogenic for Breast-ovarian cancer, familial, susceptibility to, 1. Last evaluated: 2016-09-08. Review status: reviewed by expert panel. Criteria: ENIGMA BRCA1/2 Classification Criteria (2015). Collection method: curation. Allele origin: germline.
Comment: Variant allele predicted to encode a truncated non-functional protein.

Ambry Genetics
Classification: Pathogenic for Hereditary cancer-predisposing syndrome. Last evaluated: 2025-03-13. Review status: criteria provided, single submitter. Criteria: Ambry Variant Classification Scheme 2023. Collection method: clinical testing. Allele origin: germline. Not counted in ClinVar's aggregate classification.
Comment: The c.4335_4338dupAGAA pathogenic mutation, located in coding exon 11 of the BRCA1 gene, results from a duplication of AGAA at nucleotide position 4335, causing a translational frameshift with a predicted alternate stop codon (p.E1446Efs*17). This variant was identified in multiple individuals diagnosed with breast cancer (Kim H et al. Breast Cancer Res Treat. 2012 Aug;134(3):1315-26). This alteration is expected to result in loss of function by premature protein truncation or nonsense-mediated mRNA decay. As such, this alteration is interpreted as a disease-causing mutation.

Labcorp Genetics (formerly Invitae), Labcorp
Classification: Pathogenic for Hereditary breast ovarian cancer syndrome. Last evaluated: 2025-03-02. Review status: criteria provided, single submitter. Criteria: Invitae Variant Classification Sherloc (09022015). Collection method: clinical testing. Allele origin: germline. Not counted in ClinVar's aggregate classification.
Comment: This sequence change creates a premature translational stop signal (p.Gln1447Argfs*16) in the BRCA1 gene. It is expected to result in an absent or disrupted protein product. Loss-of-function variants in BRCA1 are known to be pathogenic (PMID: 20104584). This variant is not present in population databases (gnomAD no frequency). This premature translational stop signal has been observed in individual(s) with breast and/or ovarian cancer (PMID: 22798144, 28724667, 30287823). This variant is also known as c.4338_4339insAGAA p.Gln1447Argfs*16. ClinVar contains an entry for this variant (Variation ID: 55172). For these reasons, this variant has been classified as Pathogenic.

Color Diagnostics, LLC DBA Color Health
Classification: Pathogenic for Hereditary cancer-predisposing syndrome. Last evaluated: 2020-08-17. Review status: criteria provided, single submitter. Criteria: ACMG Guidelines, 2015. Collection method: clinical testing. Allele origin: germline. Not counted in ClinVar's aggregate classification.
Comment: This variant inserts 4 nucleotides in exon 12 of the BRCA1 gene, creating a frameshift and premature translation stop signal. This variant is also known as 4454dupAGAA and c.4338_4339insAGAA in the literature. This variant is expected to result in an absent or non-functional protein product. To our knowledge, functional studies have not been reported for this variant. This variant has been reported in multiple East Asian individuals affected with breast cancer (PMID: 22798144, 25863477, 28724667, 29673794, 30287823). This variant has not been identified in the general population by the Genome Aggregation Database (gnomAD). Loss of BRCA1 function is a known mechanism of disease. Based on the available evidence, this variant is classified as Pathogenic.

Women's Health and Genetics/Laboratory Corporation of America, LabCorp
Classification: Pathogenic for Hereditary breast and ovarian cancer syndrome. Last evaluated: 2018-06-15. Review status: criteria provided, single submitter. Criteria: LabCorp Variant Classification Summary - May 2015. Collection method: clinical testing. Allele origin: germline. Not counted in ClinVar's aggregate classification.
Comment: Variant summary: BRCA1 c.4335_4338dupAGAA (p.Gln1447ArgfsX16) results in a premature termination codon, predicted to cause a truncation of the encoded protein or absence of the protein due to nonsense mediated decay, which are commonly known mechanisms for disease. Truncations downstream of this position have been classified as pathogenic by our laboratory (e.g., p.Pro1464fsX2 and p.Ser1503X). The variant was absent in 246144 control chromosomes. c.4335_4338dupAGAA has been reported in the literature in several individuals affected with Hereditary Breast and Ovarian Cancer. These data indicate that the variant is likely to be associated with disease. To our knowledge, no experimental evidence demonstrating an impact on protein function has been reported. Five clinical diagnostic laboratories have submitted clinical-significance assessments for this variant to ClinVar after 2014 and all classified the variant as pathogenic. Based on the evidence outlined above, the variant was classified as pathogenic.

GeneDx
Classification: Pathogenic. Last evaluated: 2016-12-06. Review status: criteria provided, single submitter. Criteria: GeneDx Variant Classification (06012015). Collection method: clinical testing. Allele origin: germline. Affected: yes. Not counted in ClinVar's aggregate classification.
Comment: This duplication of 4 nucleotides in BRCA1 is denoted c.4335_4338dupAGAA at the cDNA level and p.Gln1447ArgfsX16 (Q1447RfsX16) at the protein level. The normal sequence, with the bases that are duplicated in brackets, is ATCC[dupAGAA]CAAA. The duplication causes a frameshift, which changes a Glutamine to an Arginine at codon 1447, and creates a premature stop codon at position 16 of the new reading frame. This variant is predicted to cause loss of normal protein function through either protein truncation or nonsense-mediated mRNA decay. BRCA1 c.4335_4338dupAGAA, previously reported as BRCA1 4454dup4, has been identified in several Korean breast/ovarian cancer patients (Kim 2012, Kang 2015). We consider this variant to be pathogenic.

Consortium of Investigators of Modifiers of BRCA1/2 (CIMBA), c/o University of Cambridge
Classification: Pathogenic for Breast-ovarian cancer, familial, susceptibility to, 1. Last evaluated: 2015-10-02. Review status: criteria provided, single submitter. Criteria: CIMBA Mutation Classification guidelines May 2016. Collection method: clinical testing. Allele origin: germline. Not counted in ClinVar's aggregate classification.

Department of Pathology and Laboratory Medicine, Sinai Health System
Classification: Pathogenic for Familial cancer of breast; Breast-ovarian cancer, familial, susceptibility to, 1; Fanconi anemia, complementation group S. Last evaluated: 2013-11-15. Review status: criteria provided, single submitter. Criteria: ACMG Guidelines, 2015. Collection method: clinical testing. Allele origin: germline. Affected: yes. Not counted in ClinVar's aggregate classification.

Department of Pathology and Laboratory Medicine, Sinai Health System
Classification: Pathogenic for Hereditary breast ovarian cancer syndrome. Review status: criteria provided, single submitter. Criteria: ACMG Guidelines, 2015. Collection method: clinical testing. Allele origin: germline. Affected: yes. Study: The Canadian Open Genetics Repository (COGR). Not counted in ClinVar's aggregate classification.

Laboratory for Genotyping Development, RIKEN
Classification: Pathogenic for Gastric cancer. Last evaluated: 2021-07-01. Review status: no assertion criteria provided. Collection method: research. Allele origin: germline. Not counted in ClinVar's aggregate classification.

Literature cited by the submitters: PubMed 22798144 (cited by 4 submitters); PubMed 20104584 (cited by Labcorp Genetics (formerly Invitae), Labcorp); PubMed 28724667 (cited by Labcorp Genetics (formerly Invitae), Labcorp); PubMed 30287823 (cited by Labcorp Genetics (formerly Invitae), Labcorp); PubMed 25863477 (cited by Women's Health and Genetics/Laboratory Corporation of America, LabCorp); PubMed 29673794 (cited by Women's Health and Genetics/Laboratory Corporation of America, LabCorp); PubMed 36988593 (cited by Laboratory for Genotyping Development, RIKEN).

NM_007294.4(BRCA1):c.4335_4338dup (p.Gln1447fs)

Gene: BRCA1 (BRCA1 DNA repair associated; minus strand). Cytogenetic location: 17q21.31.
Variant type: Duplication.
Coding change: c.4335_4338dup on transcript NM_007294.4 (MANE Select); coding-DNA positions 4335 to 4338, 4 bases duplicated (AGAA; older notation c.4335_4338dupAGAA).
Protein change: p.Gln1447fs; shifts the reading frame from glutamine 1447.
Molecular consequence: frameshift variant. On other transcripts: non-coding transcript variant (1).
Genome position (GRCh38, 1-based): chr17:43,082,423-43,082,426, TTCT duplicated on the plus strand (AGAA on the coding strand, the reverse complement: BRCA1 is on the minus strand). VCF-style (leftmost placement, unchanged base first): chr17-43082422-G-GTTCT. GRCh37 (hg19) VCF-style: chr17-41234439-G-GTTCT.
Other names: c.4335_4338dupAGAA (NM_007294.3); c.4335_4338dup, p.Gln1447fs (NM_007300.4); c.1026_1029dup, p.Gln344Argfs (NM_007304.2, NM_001407970.1, NM_001407971.1 and 8 more transcripts); c.4329_4332dup, p.Gln1445Argfs (NM_001407631.1, NM_001407632.1, NM_001407644.1 and 5 more transcripts); c.4332_4335dup, p.Gln1446Argfs (NM_001407633.1, NM_001407634.1, NM_001407635.1 and 21 more transcripts); c.4323_4326dup, p.Gln1443Argfs (NM_001407646.1, NM_001407647.1); c.4212_4215dup, p.Gln1406Argfs (NM_001407648.1, NM_001407664.1, NM_001407665.1 and 13 more transcripts); c.4209_4212dup, p.Gln1405Argfs (NM_001407649.1, NM_001407670.1, NM_001407671.1 and 12 more transcripts); and 55 more; short protein forms Q1400fs, Q1447fs, Q344fs.
Identifiers: ClinVar variation 55172 (VCV000055172.37), dbSNP rs397509164, ClinGen allele CA198447.
Genomic context (GRCh38, chr17:43,082,422, plus strand): 5'-GAATTTTGCTTAAGATATCAGTGTTTGGCCAACAATACACACCTTTTTCTGATGTGCTTT[G>GTTCT]TTCTGGATTTCGCAGGTCCTCAAGGGCAGAAGAGTCACTTATGATGGAAGGGTAGCTGTT-3'